The following is an entry in ClinVar:

NM_014314.4(RIGI):c.1217T>C (p.Ile406Thr)

Gene: RIGI (RNA sensor RIG-I; minus strand). Cytogenetic location: 9p21.1.
Variant type: single nucleotide variant.
Coding change: c.1217T>C on transcript NM_014314.4 (MANE Select); coding-DNA position 1217, T replaced by C.
Protein change: p.Ile406Thr; replaces isoleucine 406 with threonine.
Molecular consequence: missense variant.
Genome position (GRCh38, 1-based): chr9:32,487,629, A>G on the plus strand (T>C on the coding strand, the complement: RIGI is on the minus strand). VCF-style: chr9-32487629-A-G. GRCh37 (hg19) VCF-style: chr9-32487627-A-G.
Other names: c.1211T>C, p.Ile404Thr (NM_001385907.1); c.1217T>C, p.Ile406Thr (NM_001385909.1); c.776T>C, p.Ile259Thr (NM_001385910.1); c.608T>C, p.Ile203Thr (NM_001385912.1); c.1202T>C, p.Ile401Thr (NM_001385913.1); c.773T>C, p.Ile258Thr (NM_001385914.1); short protein forms I203T, I401T, I259T, I404T, I406T, I258T.
Identifiers: ClinVar variation 1496911 (VCV001496911.9), dbSNP rs951618, ClinGen allele CA5019882.

ClinVar aggregate classification (germline): Conflicting classifications of pathogenicity. Review status: criteria provided, conflicting classifications (1 of 4 stars). 2 submissions from 2 submitters: Uncertain significance (1); Likely benign (1). Last evaluated 2025-10-07.

Allele frequency attached by ClinVar (database versions not stated): ExAC 0.00003; gnomAD exomes 0.00003; gnomAD 0.00004 and 0.00005; TOPMed 0.00008; 1000 Genomes Project 0.00020; 1000 Genomes Project 30x 0.00031.
gnomAD v4.1: 110 of 1,614,006 alleles (0.0068%); highest among the groups gnomAD compares: Non-Finnish European, 0.0085%; no homozygotes.

Submissions (2):

Labcorp Genetics (formerly Invitae), Labcorp
Classification: Uncertain significance. Last evaluated: 2025-10-07. Review status: criteria provided, single submitter. Criteria: Invitae Variant Classification Sherloc (09022015). Collection method: clinical testing. Allele origin: germline.
Comment: This sequence change replaces isoleucine, which is neutral and non-polar, with threonine, which is neutral and polar, at codon 406 of the DDX58 protein (p.Ile406Thr). This variant is present in population databases (rs951618, gnomAD 0.009%). This variant has not been reported in the literature in individuals affected with DDX58-related conditions. ClinVar contains an entry for this variant (Variation ID: 1496911). Invitae Evidence Modeling of protein sequence and biophysical properties (such as structural, functional, and spatial information, amino acid conservation, physicochemical variation, residue mobility, and thermodynamic stability) indicates that this missense variant is expected to disrupt DDX58 protein function with a positive predictive value of 80%. Experimental studies have shown that this missense change does not substantially affect DDX58 function (PMID: 19859543, 25620203). In summary, the available evidence is currently insufficient to determine the role of this variant in disease. Therefore, it has been classified as a Variant of Uncertain Significance.

Blueprint Genetics
Classification: Likely benign. Last evaluated: 2024-06-25. Review status: criteria provided, single submitter. Criteria: ACMG Guidelines, 2015. Collection method: clinical testing. Allele origin: germline.

Literature cited by the submitters: PubMed 19859543 (cited by Labcorp Genetics (formerly Invitae), Labcorp); PubMed 25620203 (cited by Labcorp Genetics (formerly Invitae), Labcorp).